The following is an entry in ClinVar:

NM_001388492.1(HTT):c.7543A>T (p.Thr2515Ser)

Gene: HTT (huntingtin; plus strand). Cytogenetic location: 4p16.3.
Variant type: single nucleotide variant.
Coding change: c.7543A>T on transcript NM_001388492.1 (MANE Select); coding-DNA position 7543, A replaced by T.
Protein change: p.Thr2515Ser; replaces threonine 2515 with serine.
Molecular consequence: missense variant.
Genome position (GRCh38, 1-based): chr4:3,223,478, A>T. VCF-style: chr4-3223478-A-T. GRCh37 (hg19) VCF-style: chr4-3225205-A-T.
Other names: c.7549A>T, p.Thr2517Ser (NM_002111.8); short protein forms T2517S, T2515S.
Identifiers: ClinVar variation 1402524 (VCV001402524.29), dbSNP rs374835537, ClinGen allele CA2825392.

ClinVar aggregate classification (germline): Uncertain significance. Review status: criteria provided, multiple submitters, no conflicts (2 of 4 stars). 2 submissions from 2 submitters: Uncertain significance (2). Last evaluated 2022-06-01.

Allele frequency attached by ClinVar (database versions not stated): gnomAD exomes 0.00004 and 0.00005; ExAC 0.00005; gnomAD 0.00006 and 0.00007; ESP Exome Variant Server 0.00008; TOPMed 0.00008.
gnomAD v4.1: 77 of 1,613,850 alleles (0.0048%); highest among the groups gnomAD compares: Non-Finnish European, 0.0057%; no homozygotes.

Submissions (2):

CeGaT Center for Human Genetics Tuebingen
Classification: Uncertain significance. Last evaluated: 2022-06-01. Review status: criteria provided, single submitter. Criteria: CeGaT Center For Human Genetics Tuebingen Variant Classification Criteria Version 2. Collection method: clinical testing. Allele origin: germline. Affected: yes. Observed: 1 variant allele.

Labcorp Genetics (formerly Invitae), Labcorp
Classification: Uncertain significance. Last evaluated: 2021-04-26. Review status: criteria provided, single submitter. Criteria: Invitae Variant Classification Sherloc (09022015). Collection method: clinical testing. Allele origin: germline.
Comment: Experimental studies and prediction algorithms are not available or were not evaluated, and the functional significance of this variant is currently unknown. This variant has not been reported in the literature in individuals with HTT-related conditions. This variant is present in population databases (rs374835537, ExAC 0.01%). This sequence change replaces threonine with serine at codon 2517 of the HTT protein (p.Thr2517Ser). The threonine residue is moderately conserved and there is a small physicochemical difference between threonine and serine. In summary, the available evidence is currently insufficient to determine the role of this variant in disease. Therefore, it has been classified as a Variant of Uncertain Significance.